The following is an entry in ClinVar:

ClinVar aggregate classification (germline): Uncertain significance. Review status: criteria provided, multiple submitters, no conflicts (2 of 4 stars). 2 submissions from 2 submitters: Uncertain significance (2). Last evaluated 2023-06-09.

Conditions:
Hereditary breast ovarian cancer syndrome. Also called: Hereditary breast and ovarian cancer syndrome (HBOC); Hereditary breast and ovarian cancer syndrome; Breast and ovarian cancer; BRCA1- and BRCA2-Associated Hereditary Breast and Ovarian Cancer; Hereditary breast and ovarian cancer; Hereditary breast and/or ovarian cancer syndrome. Identifiers: Orphanet 145, MedGen C0677776, MeSH D061325, MONDO:0003582. Disease mechanism: loss of function.
Hereditary cancer-predisposing syndrome. Also called: Neoplastic Syndromes, Hereditary; Hereditary Cancer Syndrome; Hereditary neoplastic syndrome; Tumor predisposition. Identifiers: Orphanet 140162, MedGen C0027672, MeSH D009386, MONDO:0015356.

Allele frequency attached by ClinVar (database versions not stated): gnomAD exomes below 0.00001.
gnomAD v4.1: 2 of 1,614,022 alleles (0.00012%); highest among the groups gnomAD compares: South Asian, 0.0022%; no homozygotes.

Submissions (2):

Labcorp Genetics (formerly Invitae), Labcorp
Classification: Uncertain significance for Hereditary breast ovarian cancer syndrome. Last evaluated: 2023-06-09. Review status: criteria provided, single submitter. Criteria: Invitae Variant Classification Sherloc (09022015). Collection method: clinical testing. Allele origin: germline.
Comment: This sequence change replaces proline, which is neutral and non-polar, with serine, which is neutral and polar, at codon 190 of the BRCA2 protein (p.Pro190Ser). This variant is present in population databases (no rsID available, gnomAD 0.003%). This variant has not been reported in the literature in individuals affected with BRCA2-related conditions. ClinVar contains an entry for this variant (Variation ID: 479363). Advanced modeling of protein sequence and biophysical properties (such as structural, functional, and spatial information, amino acid conservation, physicochemical variation, residue mobility, and thermodynamic stability) performed at Invitae indicates that this missense variant is not expected to disrupt BRCA2 protein function. In summary, the available evidence is currently insufficient to determine the role of this variant in disease. Therefore, it has been classified as a Variant of Uncertain Significance.

Ambry Genetics
Classification: Uncertain significance for Hereditary cancer-predisposing syndrome. Last evaluated: 2016-11-02. Review status: criteria provided, single submitter. Criteria: Ambry Variant Classification Scheme 2023. Collection method: clinical testing. Allele origin: germline.
Comment: The p.P190S variant (also known as c.568C>T), located in coding exon 6 of the BRCA2 gene, results from a C to T substitution at nucleotide position 568. The proline at codon 190 is replaced by serine, an amino acid with similar properties. This variant was not reported in population based cohorts in the following databases: Database of Single Nucleotide Polymorphisms (dbSNP), NHLBI Exome Sequencing Project (ESP), and 1000 Genomes Project. In the ESP, this variant was not observed in 6503 samples (13006 alleles) with coverage at this position. To date, this alteration has been detected with an allele frequency of approximately 0.0003% (greater than 300000 alleles tested) in our clinical cohort. This amino acid position is not well conserved in available vertebrate species. In addition, this alteration is predicted to be tolerated by in silico analysis. Since supporting evidence is limited at this time, the clinical significance of this alteration remains unclear.

NM_000059.4(BRCA2):c.568C>T (p.Pro190Ser)

Gene: BRCA2 (BRCA2 DNA repair associated; plus strand). Cytogenetic location: 13q13.1.
Variant type: single nucleotide variant.
Coding change: c.568C>T on transcript NM_000059.4 (MANE Select); coding-DNA position 568, C replaced by T.
Protein change: p.Pro190Ser; replaces proline 190 with serine.
Molecular consequence: missense variant.
Genome position (GRCh38, 1-based): chr13:32,326,550, C>T. VCF-style: chr13-32326550-C-T. GRCh37 (hg19) VCF-style: chr13-32900687-C-T.
Other names: short protein forms P190S.
Identifiers: ClinVar variation 479363 (VCV000479363.8), dbSNP rs864622312, ClinGen allele CA387757965.